The following is an entry in ClinVar:

ClinVar aggregate classification (germline): Uncertain significance (1 of 4 stars; one submission).

Conditions:
Hereditary cancer-predisposing syndrome. Also called: Tumor predisposition; Neoplastic Syndromes, Hereditary; Hereditary Cancer Syndrome; Hereditary neoplastic syndrome. Identifiers: Orphanet 140162, MedGen C0027672, MeSH D009386, MONDO:0015356.

Submission:

Ambry Genetics
Classification: Uncertain significance for Hereditary cancer-predisposing syndrome. Last evaluated: 2024-11-21. Review status: criteria provided, single submitter. Criteria: Ambry Variant Classification Scheme 2023. Collection method: clinical testing. Allele origin: germline.
Comment: The p.G58A variant (also known as c.173G>C), located in coding exon 2 of the FH gene, results from a G to C substitution at nucleotide position 173. The glycine at codon 58 is replaced by alanine, an amino acid with similar properties. This amino acid position is highly conserved in available vertebrate species. In addition, this alteration is predicted to be deleterious by in silico analysis. Based on the available evidence, the clinical significance of this variant remains unclear.

NM_000143.4(FH):c.173G>C (p.Gly58Ala)

Gene: FH (fumarate hydratase; minus strand). Cytogenetic location: 1q43.
Variant type: single nucleotide variant.
Coding change: c.173G>C on transcript NM_000143.4 (MANE Select); coding-DNA position 173, G replaced by C.
Protein change: p.Gly58Ala; replaces glycine 58 with alanine.
Molecular consequence: missense variant.
Genome position (GRCh38, 1-based): chr1:241,517,276, C>G on the plus strand (G>C on the coding strand, the complement: FH is on the minus strand). VCF-style: chr1-241517276-C-G. GRCh37 (hg19) VCF-style: chr1-241680576-C-G.
Other names: short protein forms G58A.
Identifiers: ClinVar variation 3515116 (VCV003515116.1).